The following is an entry in ClinVar:

ClinVar aggregate classification (germline): Uncertain significance (1 of 4 stars; one submission).

Submission:

Labcorp Genetics (formerly Invitae), Labcorp
Classification: Uncertain significance. Last evaluated: 2024-10-01. Review status: criteria provided, single submitter. Criteria: Invitae Variant Classification Sherloc (09022015). Collection method: clinical testing. Allele origin: germline.
Comment: This sequence change replaces valine, which is neutral and non-polar, with alanine, which is neutral and non-polar, at codon 91 of the LEMD3 protein (p.Val91Ala). This variant is not present in population databases (gnomAD no frequency). This variant has not been reported in the literature in individuals affected with LEMD3-related conditions. An algorithm developed to predict the effect of missense changes on protein structure and function (PolyPhen-2) suggests that this variant is likely to be tolerated. In summary, the available evidence is currently insufficient to determine the role of this variant in disease. Therefore, it has been classified as a Variant of Uncertain Significance.

NM_014319.5(LEMD3):c.272T>C (p.Val91Ala)

Gene: LEMD3 (LEM domain containing 3; plus strand). Cytogenetic location: 12q14.3.
Variant type: single nucleotide variant.
Coding change: c.272T>C on transcript NM_014319.5 (MANE Select); coding-DNA position 272, T replaced by C.
Protein change: p.Val91Ala; replaces valine 91 with alanine.
Molecular consequence: missense variant.
Genome position (GRCh38, 1-based): chr12:65,169,868, T>C. VCF-style: chr12-65169868-T-C. GRCh37 (hg19) VCF-style: chr12-65563648-T-C.
Other names: c.272T>C, p.Val91Ala (NM_001167614.2); short protein forms V91A.
Identifiers: ClinVar variation 3620502 (VCV003620502.2).